The following is an entry in ClinVar:

NM_001378778.1(MPDZ):c.1426G>T (p.Val476Phe)

Gene: MPDZ (multiple PDZ domain crumbs cell polarity complex component; minus strand). Cytogenetic location: 9p23.
Variant type: single nucleotide variant.
Coding change: c.1426G>T on transcript NM_001378778.1 (MANE Select); coding-DNA position 1426, G replaced by T.
Protein change: p.Val476Phe; replaces valine 476 with phenylalanine.
Molecular consequence: missense variant.
Genome position (GRCh38, 1-based): chr9:13,205,964, C>A on the plus strand (G>T on the coding strand, the complement: MPDZ is on the minus strand). VCF-style: chr9-13205964-C-A. GRCh37 (hg19) VCF-style: chr9-13205963-C-A.
Other names: c.1426G>T, p.Val476Phe (NM_001261406.2, NM_001261407.2, NM_001330637.2 and 14 more transcripts); short protein forms V476F.
Identifiers: ClinVar variation 1480044 (VCV001480044.5), dbSNP rs749650642, ClinGen allele CA4987786.

ClinVar aggregate classification (germline): Uncertain significance (1 of 4 stars; one submission).

Allele frequency attached by ClinVar (database versions not stated): gnomAD exomes 0.00001; ExAC 0.00002; TOPMed 0.00002.
gnomAD v4.1: 3 of 1,609,466 alleles (0.00019%); highest among the groups gnomAD compares: Admixed American, 0.0051%; no homozygotes.

Submission:

Labcorp Genetics (formerly Invitae), Labcorp
Classification: Uncertain significance. Last evaluated: 2024-02-23. Review status: criteria provided, single submitter. Criteria: Invitae Variant Classification Sherloc (09022015). Collection method: clinical testing. Allele origin: germline.
Comment: This sequence change replaces valine, which is neutral and non-polar, with phenylalanine, which is neutral and non-polar, at codon 476 of the MPDZ protein (p.Val476Phe). This variant is present in population databases (rs749650642, gnomAD 0.006%). This variant has not been reported in the literature in individuals affected with MPDZ-related conditions. ClinVar contains an entry for this variant (Variation ID: 1480044). An algorithm developed to predict the effect of missense changes on protein structure and function (PolyPhen-2) suggests that this variant is likely to be disruptive. In summary, the available evidence is currently insufficient to determine the role of this variant in disease. Therefore, it has been classified as a Variant of Uncertain Significance.